The following is an entry in ClinVar:

ClinVar aggregate classification (germline): Pathogenic (1 of 4 stars; one submission).

Submission:

Labcorp Genetics (formerly Invitae), Labcorp
Classification: Pathogenic. Last evaluated: 2023-09-21. Review status: criteria provided, single submitter. Criteria: Invitae Variant Classification Sherloc (09022015). Collection method: clinical testing. Allele origin: germline.
Comment: This sequence change creates a premature translational stop signal (p.Trp222*) in the ACO2 gene. It is expected to result in an absent or disrupted protein product. Loss-of-function variants in ACO2 are known to be pathogenic (PMID: 30689204, 32519519). This variant is not present in population databases (gnomAD no frequency). This variant has not been reported in the literature in individuals affected with ACO2-related conditions. For these reasons, this variant has been classified as Pathogenic.

Literature cited by the submitters: PubMed 30689204; PubMed 32519519.

NM_001098.3(ACO2):c.665G>A (p.Trp222Ter)

Gene: ACO2 (aconitase 2; plus strand). Cytogenetic location: 22q13.2.
Variant type: single nucleotide variant.
Coding change: c.665G>A on transcript NM_001098.3 (MANE Select); coding-DNA position 665, G replaced by A.
Protein change: p.Trp222Ter; replaces tryptophan 222 with a stop codon.
Molecular consequence: nonsense.
Genome position (GRCh38, 1-based): chr22:41,515,516, G>A. VCF-style: chr22-41515516-G-A. GRCh37 (hg19) VCF-style: chr22-41911520-G-A.
Other names: short protein forms W222*.
Identifiers: ClinVar variation 2785690 (VCV002785690.3), dbSNP rs2518222390, ClinGen allele CA411718419.